The following is an entry in ClinVar:

NM_005751.5(AKAP9):c.1313A>T (p.Asp438Val)

Gene: AKAP9 (A-kinase anchoring protein 9; plus strand). Cytogenetic location: 7q21.2.
Variant type: single nucleotide variant.
Coding change: c.1313A>T on transcript NM_005751.5 (MANE Select); coding-DNA position 1313, A replaced by T.
Protein change: p.Asp438Val; replaces aspartic acid 438 with valine.
Molecular consequence: missense variant.
Genome position (GRCh38, 1-based): chr7:92,001,230, A>T. VCF-style: chr7-92001230-A-T. GRCh37 (hg19) VCF-style: chr7-91630544-A-T.
Other names: c.1313A>T, p.Asp438Val (NM_147185.3); short protein forms D438V.
Identifiers: ClinVar variation 3516226 (VCV003516226.1).

ClinVar aggregate classification (germline): Uncertain significance (1 of 4 stars; one submission).

Conditions:
Cardiovascular phenotype. Identifiers: MedGen CN230736.

Submission:

Ambry Genetics
Classification: Uncertain significance for Cardiovascular phenotype. Last evaluated: 2024-07-28. Review status: criteria provided, single submitter. Criteria: Ambry Variant Classification Scheme 2023. Collection method: clinical testing. Allele origin: germline.
Comment: The p.D438V variant (also known as c.1313A>T), located in coding exon 8 of the AKAP9 gene, results from an A to T substitution at nucleotide position 1313. The aspartic acid at codon 438 is replaced by valine, an amino acid with highly dissimilar properties. This amino acid position is conserved. In addition, the in silico prediction for this alteration is inconclusive. Based on the available evidence, the clinical significance of this variant remains unclear.